The following is an entry in ClinVar:

NM_003803.4(MYOM1):c.3771A>C (p.Lys1257Asn)

Gene: MYOM1 (myomesin 1; minus strand). Cytogenetic location: 18p11.31.
Variant type: single nucleotide variant.
Coding change: c.3771A>C on transcript NM_003803.4 (MANE Select); coding-DNA position 3771, A replaced by C.
Protein change: p.Lys1257Asn; replaces lysine 1257 with asparagine.
Molecular consequence: missense variant.
Genome position (GRCh38, 1-based): chr18:3,094,263, T>G on the plus strand (A>C on the coding strand, the complement: MYOM1 is on the minus strand). VCF-style: chr18-3094263-T-G. GRCh37 (hg19) VCF-style: chr18-3094261-T-G.
Other names: c.3483A>C, p.Lys1161Asn (NM_019856.2); short protein forms K1161N, K1257N.
Identifiers: ClinVar variation 3627281 (VCV003627281.2).
Genomic context (GRCh38, chr18:3,094,263, plus strand): 5'-GTAGTTGACTTTGGCATTGCCAGACAGTTTCTCAGCCTGCATCCAAAACCGGACCTGGCC[T>G]TTCTCCAAAATTTCAACTGCCAACTCTGATTTAACTGGGACAGCTATGAAAAGTAAAAAT-3'
Protein context (NP_003794.3, residues 1247-1267): KSELAVEILE[Lys1257Asn]GQVRFWMQAE

ClinVar aggregate classification (germline): Uncertain significance (1 of 4 stars; one submission).

Conditions:
Hypertrophic cardiomyopathy. Also called: HYPERTROPHIC MYOCARDIOPATHY. Identifiers: Orphanet 217569, MedGen C0007194, MeSH D002312, MONDO:0005045, HP:0001639.

gnomAD v4.1: 2 of 1,613,750 alleles (0.00012%); highest among the groups gnomAD compares: Non-Finnish European, 0.00017%; no homozygotes.

Submission:

Labcorp Genetics (formerly Invitae), Labcorp
Classification: Uncertain significance for Hypertrophic cardiomyopathy. Last evaluated: 2024-12-24. Review status: criteria provided, single submitter. Criteria: Invitae Variant Classification Sherloc (09022015). Collection method: clinical testing. Allele origin: germline.
Comment: This sequence change replaces lysine, which is basic and polar, with asparagine, which is neutral and polar, at codon 1257 of the MYOM1 protein (p.Lys1257Asn). This variant is present in population databases (no rsID available, gnomAD 0.007%). This variant has not been reported in the literature in individuals affected with MYOM1-related conditions. Invitae Evidence Modeling of protein sequence and biophysical properties (such as structural, functional, and spatial information, amino acid conservation, physicochemical variation, residue mobility, and thermodynamic stability) has been performed for this missense variant. However, the output from this modeling did not meet the statistical confidence thresholds required to predict the impact of this variant on MYOM1 protein function. In summary, the available evidence is currently insufficient to determine the role of this variant in disease. Therefore, it has been classified as a Variant of Uncertain Significance.